The following is an entry in ClinVar:

ClinVar aggregate classification (germline): Pathogenic. Review status: reviewed by expert panel (3 of 4 stars). 10 submissions from 10 submitters: Pathogenic (1). 9 of the submissions do not count toward it. Last evaluated 2023-09-26.

Conditions:
Usher syndrome. Also called: Usher Syndromes; Usher's syndrome. Identifiers: Orphanet 886, MedGen CN469326, MeSH D052245, MONDO:0019501. Disease mechanism: loss of function.
USH2A-related disorder. Also called: USH2A-related condition; USH2A-related disorders. Identifiers: MedGen CN239332.
Retinitis pigmentosa 39 (RP39). Identifiers: Orphanet 791, MedGen C3151138, MONDO:0013436, OMIM 613809.
Usher syndrome type 2A. Also called: USHER SYNDROME, TYPE IIA; RETINAL DISEASE IN USHER SYNDROME TYPE IIA, MODIFIER OF. Identifiers: Orphanet 231178, Orphanet 886, MedGen C1848634, MONDO:0010169, OMIM 276901.
Cone-rod dystrophy. Also called: Cone/cone-rod dystrophy; Cone-rod degeneration. Identifiers: Orphanet 1872, MedGen C4085590, MONDO:0015993, HP:0000548.

gnomAD v4.1: 11 of 1,613,982 alleles (0.00068%); highest among the groups gnomAD compares: Non-Finnish European, 0.00093%; no homozygotes.

Submissions (10):

ClinGen Hearing Loss Variant Curation Expert Panel
Classification: Pathogenic for Usher syndrome. Last evaluated: 2023-09-26. Review status: reviewed by expert panel. Criteria: Clingen Hl Acmg Specifications Cdh23 Coch Gjb2 Kcnq4 Myo6 Myo7a Slc26a4 Tecta Ush2a V2. Collection method: curation. Allele origin: germline. Inheritance: Autosomal recessive inheritance.
Comment: The c.3407G>A variant in USH2A is a missense variant predicted to cause substitution of serine to asparagine at amino acid 1136. This variant is absent from large population studies (PM2_Supporting, gnomAD v2.1.1). The computational predictor REVEL gives a score of 0.466 which is neither above nor below the thresholds predicting a damaging or benign impact on USH2A function. This variant has been reported in at least 6 probands with USH2A-related disorders, including four individuals with autosomal recessive Usher syndrome and two individuals with isolated retinopathy. Of these individuals, the variant was confirmed in trans with a pathogenic variant in two individuals, but phase with a second pathogenic variant was unclear in the remaining 4 individuals (PM3_VeryStrong; PMID: 22135276, 25991456, 27957503, 36011334). Of note, the two individuals with isolated retinopathy harbored the pathogenic p.Cys759Phe variant, which is commonly found in individuals with an isolated retinopathy phenotype (SCV001334331.1). At least one patient with this variant was diagnosed with Usher syndrome (PP4). In summary, this variant meets the criteria to be classified as pathogenic for autosomal recessive USH2A-related disorders including Usher syndrome and isolated retinopathy based on ACMG/AMP criteria applied, as specified by the ClinGen Hearing Loss VCEP; PM2_Supporting, PM3_VeryStrong, PP4. (The ClinGen Hearing Loss VCEP Specifications Version 2; 09/26/2022)

Women's Health and Genetics/Laboratory Corporation of America, LabCorp
Classification: Pathogenic for Usher syndrome. Last evaluated: 2026-04-24. Review status: criteria provided, single submitter. Criteria: LabCorp Variant Classification Summary - May 2015. Collection method: clinical testing. Allele origin: germline. Not counted in ClinVar's aggregate classification.
Comment: Variant summary: USH2A c.3407G>A (p.Ser1136Asn) results in a conservative amino acid change in the encoded protein sequence. Algorithms developed to predict the effect of missense changes on protein structure and function are either unavailable or do not agree on the potential impact of this missense change. The variant was absent in 251178 control chromosomes (gnomAD). c.3407G>A has been observed in multiple individuals affected with Usher Syndrome or cone-rod dystrophy (e.g. Le Quesne_2012, Tang_2015, Bonnet_2016, Dad_2016, Jespersgaard_2019). These data indicate that the variant is very likely to be associated with disease. A different variant affecting the same codon has been classified as pathogenic by our lab (c.3408T>A, p.Ser1136Arg), supporting the critical relevance of codon 1136 to USH2A protein function. ClinVar contains an entry for this variant (Variation ID: 133312). Based on the evidence outlined above, the variant was classified as pathogenic.

Natera, Inc.
Classification: Pathogenic for Usher syndrome type 2A. Last evaluated: 2024-11-22. Review status: criteria provided, single submitter. Criteria: Natera Variant Classification Schema (03/2026). Collection method: clinical testing. Allele origin: germline. Not counted in ClinVar's aggregate classification.
Comment: The c.3407G>A variant in USH2A is a missense variant predicted to cause substitution of serine to asparagine at amino acid 1136. This variant is rare in the general population with a frequency below the threshold expected for the associated phenotype(s). This variant has been observed in one or more individuals affected with the associated recessive disease, as either homozygous or compound heterozygous with a second variant (PMID: 32176120, 27957503). Additionally, this variant has been observed to segregate in affected family members (PMID: 27957503). Computational prediction algorithms indicate this variant is likely to affect gene or protein function. Given the available evidence, this variant is classified as Pathogenic.

Labcorp Genetics (formerly Invitae), Labcorp
Classification: Pathogenic. Last evaluated: 2024-11-11. Review status: criteria provided, single submitter. Criteria: Invitae Variant Classification Sherloc (09022015). Collection method: clinical testing. Allele origin: germline. Not counted in ClinVar's aggregate classification.
Comment: This sequence change replaces serine, which is neutral and polar, with asparagine, which is neutral and polar, at codon 1136 of the USH2A protein (p.Ser1136Asn). This variant is not present in population databases (gnomAD no frequency). This missense change has been observed in individual(s) with Usher syndrome, retinitis pigmentosa, or cone-rod dystrophy (PMID: 22135276, 25991456, 27460420, 27957503, 28512305, 30718709). In at least one individual the data is consistent with being in trans (on the opposite chromosome) from a pathogenic variant. ClinVar contains an entry for this variant (Variation ID: 133312). Invitae Evidence Modeling of protein sequence and biophysical properties (such as structural, functional, and spatial information, amino acid conservation, physicochemical variation, residue mobility, and thermodynamic stability) indicates that this missense variant is expected to disrupt USH2A protein function with a positive predictive value of 95%. This variant disrupts the p.Ser1136 amino acid residue in USH2A. Other variant(s) that disrupt this residue have been observed in individuals with USH2A-related conditions (internal data), which suggests that this may be a clinically significant amino acid residue. For these reasons, this variant has been classified as Pathogenic.

Victorian Clinical Genetics Services, Murdoch Childrens Research Institute
Classification: Pathogenic for Usher syndrome type 2A. Last evaluated: 2020-10-19. Review status: criteria provided, single submitter. Criteria: ACMG Guidelines, 2015. Collection method: clinical testing. Allele origin: germline. Inheritance: Autosomal recessive inheritance. Affected: yes. Not counted in ClinVar's aggregate classification.
Comment: Based on the classification scheme VCGS_Germline_v1.3.3, this variant is classified as Pathogenic. Following criteria are met: 0102 - Loss of function is a known mechanism of disease in this gene and is associated with Usher syndrome, type 2A (MIM#276901). (I) 0106 - This gene is associated with autosomal recessive disease. (I) 0200 - Variant is predicted to result in a missense amino acid change from serine to asparagine. (I) 0251 - This variant is heterozygous. (I) 0301 - Variant is absent from gnomAD (both v2 and v3). (SP) 0309 - An alternative amino acid change at the same position has been observed in gnomAD (1 heterozygote, 0 homozygotes). (I) 0502 - Missense variant with conflicting in silico predictions and uninformative conservation. (I) 0600 - Variant is located in the annotated fibronectin type-III 1 domain (PDB). (I) 0708 - Another missense variant comparable to the one identified in this case has conflicting previous evidence for pathogenicity. A missense variant (p.Ser1136Arg) of greater Grantham score has been reported as both a VUS and likely pathogenic, and was identified in a patient with congenital hearing loss, and their affected sibling (ClinVar). (I) 0801 - This variant has strong previous evidence of pathogenicity in unrelated individuals. This variant has been reported as likely pathogenic and pathogenic in multiple patients with Usher syndrome, inherited retinal disease and retinitis pigmentosa (ClinVar, PMID: 30718709,PMID: 28512305, PMID: 27208204, PMID: 25991456, PMID: 27957503, PMID: 27460420). (SP) 0906 - Segregation evidence for this variant is inconclusive. This variant was reported in two members of family with Usher syndrome, with unknown relation (PMID: 27957503). (I) 1007 - No published functional evidence has been identified for this variant. (I) 1208 - Inheritance information for this variant is not currently available in this individual. (I) Legend: (SP) - Supporting pathogenic, (I) - Information, (SB) - Supporting benign

Blueprint Genetics
Classification: Pathogenic for USH2A-related disorders. Last evaluated: 2019-09-09. Review status: criteria provided, single submitter. Criteria: ACMG Guidelines, 2015. Collection method: clinical testing. Allele origin: germline. Affected: yes. Observed: 4 variant alleles. Not counted in ClinVar's aggregate classification.

Centre for Genomic Medicine, Manchester, Central Manchester University Hospitals
Classification: Pathogenic for Usher syndrome type 2A. Last evaluated: 2019-02-01. Review status: criteria provided, single submitter. Criteria: ACMG Guidelines, 2015. Collection method: clinical testing. Allele origin: germline. Affected: yes. Observed: 1 variant allele, 1 compound heterozygote. Not counted in ClinVar's aggregate classification.

Molecular Genetics Laboratory; Baylor College of Medicine
Classification: Uncertain significance. Review status: criteria provided, single submitter. Criteria: Submitter's publication. Collection method: not provided. Allele origin: unknown. Not counted in ClinVar's aggregate classification.
ClinVar note: Converted during submission from unknown to Uncertain significance.

Counsyl
Classification: Likely pathogenic for Usher syndrome type 2A; Retinitis pigmentosa 39. Last evaluated: 2018-04-18. Review status: no assertion criteria provided. Collection method: clinical testing. Allele origin: unknown. Not counted in ClinVar's aggregate classification.

Department of Clinical Genetics, Copenhagen University Hospital, Rigshospitalet
Classification: Likely pathogenic for Cone-rod dystrophy. Last evaluated: 2018-04-01. Review status: no assertion criteria provided. Collection method: research. Allele origin: unknown. Affected: yes. Study: VeluxRD. Not counted in ClinVar's aggregate classification.

Literature cited by the submitters: PubMed 22135276 (cited by 3 submitters); PubMed 25991456 (cited by 4 submitters); PubMed 27957503 (cited by 4 submitters); PubMed 27460420 (cited by 4 submitters); PubMed 30718709 (cited by 4 submitters); PubMed 32176120 (cited by Natera, Inc.); PubMed 28512305 (cited by 3 submitters); PubMed 27208204 (cited by Victorian Clinical Genetics Services, Murdoch Childrens Research Institute and Counsyl).

NM_206933.4(USH2A):c.3407G>A (p.Ser1136Asn)

Genes: USH2A (usherin; minus strand), USH2A-AS1 (USH2A antisense RNA 1; plus strand). Cytogenetic location: 1q41.
Variant type: single nucleotide variant.
Coding change: c.3407G>A on transcript NM_206933.4 (MANE Select); coding-DNA position 3407, G replaced by A.
Protein change: p.Ser1136Asn; replaces serine 1136 with asparagine.
Molecular consequence: missense variant.
Genome position (GRCh38, 1-based): chr1:216,200,031, C>T on the plus strand (G>A on the coding strand, the complement: USH2A is on the minus strand). VCF-style: chr1-216200031-C-T. GRCh37 (hg19) VCF-style: chr1-216373373-C-T.
Other names: NM_206933.4(USH2A):c.3407G>A; c.3407G>A, p.Ser1136Asn (NM_007123.6); short protein forms S1136N.
Identifiers: ClinVar variation 133312 (VCV000133312.22), dbSNP rs483353055, ClinGen allele CA269917.